The following is an entry in ClinVar:

NM_001182.5(ALDH7A1):c.901_902del (p.Asn301fs)

Gene: ALDH7A1 (aldehyde dehydrogenase 7 family member A1; minus strand). Cytogenetic location: 5q23.2.
Variant type: Deletion.
Coding change: c.901_902del on transcript NM_001182.5 (MANE Select); coding-DNA positions 901 to 902, 2 bases deleted (AA; older notation c.901_902delAA).
Protein change: p.Asn301fs; shifts the reading frame from asparagine 301.
Molecular consequence: frameshift variant.
Genome position (GRCh38, 1-based): chr5:126,561,094-126,561,095, TT deleted on the plus strand (AA on the coding strand, the reverse complement: ALDH7A1 is on the minus strand). VCF-style (leftmost placement, unchanged base first): chr5-126561093-ATT-A. GRCh37 (hg19) VCF-style: chr5-125896785-ATT-A.
Other names: c.901_902del (NM_001182.4); c.817_818del, p.Asn273fs (NM_001201377.2); c.901_902del, p.Asn301fs (NM_001202404.2); short protein forms N273fs, N301fs.
Identifiers: ClinVar variation 420017 (VCV000420017.17), dbSNP rs1064794240, ClinGen allele CA16618100.

ClinVar aggregate classification (germline): Pathogenic/Likely pathogenic. Review status: criteria provided, multiple submitters, no conflicts (2 of 4 stars). 6 submissions from 6 submitters: Pathogenic (4); Likely pathogenic (2). Last evaluated 2026-08-06.

Conditions:
Pyridoxine-dependent epilepsy (EPEO4). Also called: PYRIDOXINE DEPENDENCY WITH SEIZURES; Pyridoxine-Dependent Seizures; EPILEPSY, EARLY-ONSET, 4, VITAMIN B6-DEPENDENT; Pyridoxine-Dependent Epilepsy - ALDH7A1. Identifiers: Orphanet 3006, MedGen C1849508, MONDO:0009945, OMIM 266100. Disease mechanism: loss of function.

Allele frequency attached by ClinVar (database versions not stated): gnomAD exomes 0.00001 and below 0.00001; TOPMed 0.00001.

Submissions (6):

OLLIN Analises Genomicas, OLLIN
Classification: Likely pathogenic. Last evaluated: 2026-08-06. Review status: criteria provided, single submitter. Criteria: ACMG Guidelines 2015 PMID 25741868. Collection method: clinical testing. Allele origin: germline.
Comment: This frameshift variant, located in exon 10 (of 18), has been reported in ClinVar (accession VCV000420017.16) and in gnomAD with an allele frequency of 0.00019%. However, to our knowledge, it has not been reported in the scientific literature. This variant causes a frameshift and introduces a premature stop codon, which is predicted to result in either a truncated protein or degradation of the mRNA via nonsense-mediated decay (NMD). According to the currently available evidence, this variant has been classified as likely pathogenic (PVS1, PM2_P).

Labcorp Genetics (formerly Invitae), Labcorp
Classification: Pathogenic for Pyridoxine-dependent epilepsy. Last evaluated: 2025-12-06. Review status: criteria provided, single submitter. Criteria: Invitae Variant Classification Sherloc (09022015). Collection method: clinical testing. Allele origin: germline.
Comment: This sequence change creates a premature translational stop signal (p.Asn301Cysfs*6) in the ALDH7A1 gene. It is expected to result in an absent or disrupted protein product. Loss-of-function variants in ALDH7A1 are known to be pathogenic (PMID: 16491085, 20554659). This variant is present in population databases (no rsID available, gnomAD 0.006%). This premature translational stop signal has been observed in individual(s) with pyridoxine-dependent epilepsy (PMID: 23350806). This variant is also known as c.554_555delAA, p.Asn273fs. ClinVar contains an entry for this variant (Variation ID: 420017). For these reasons, this variant has been classified as Pathogenic.

GeneDx
Classification: Pathogenic. Last evaluated: 2024-07-19. Review status: criteria provided, single submitter. Criteria: GeneDx Variant Classification Process June 2021. Collection method: clinical testing. Allele origin: germline. Affected: yes.
Comment: Frameshift variant predicted to result in protein truncation or nonsense mediated decay in a gene for which loss of function is a known mechanism of disease; Not observed at significant frequency in large population cohorts (gnomAD); This variant is associated with the following publications: (PMID: 31589614, 23350806)

Fulgent Genetics
Classification: Likely pathogenic for Pyridoxine-dependent epilepsy. Last evaluated: 2024-04-07. Review status: criteria provided, single submitter. Criteria: ACMG Guidelines, 2015. Collection method: clinical testing. Allele origin: germline.

Genome-Nilou Lab
Classification: Pathogenic for Pyridoxine-dependent epilepsy. Last evaluated: 2023-04-11. Review status: criteria provided, single submitter. Criteria: ACMG Guidelines, 2015. Collection method: clinical testing. Allele origin: germline. Affected: no.

Revvity Omics, Revvity
Classification: Pathogenic for Pyridoxine-dependent epilepsy. Last evaluated: 2022-09-24. Review status: criteria provided, single submitter. Criteria: ACMG Guidelines, 2015. Collection method: clinical testing. Allele origin: germline.

Literature cited by the submitters: PubMed 16491085 (cited by Labcorp Genetics (formerly Invitae), Labcorp); PubMed 20554659 (cited by Labcorp Genetics (formerly Invitae), Labcorp); PubMed 23350806 (cited by Labcorp Genetics (formerly Invitae), Labcorp).